The following is an entry in ClinVar:

NM_002432.3(MNDA):c.497C>A (p.Thr166Lys)

Gene: MNDA (myeloid cell nuclear differentiation antigen; plus strand). Cytogenetic location: 1q23.1.
Variant type: single nucleotide variant.
Coding change: c.497C>A on transcript NM_002432.3 (MANE Select); coding-DNA position 497, C replaced by A.
Protein change: p.Thr166Lys; replaces threonine 166 with lysine.
Molecular consequence: missense variant.
Genome position (GRCh38, 1-based): chr1:158,844,049, C>A. VCF-style: chr1-158844049-C-A. GRCh37 (hg19) VCF-style: chr1-158813839-C-A.
Other names: short protein forms T166K.
Identifiers: ClinVar variation 3397267 (VCV003397267.1).

ClinVar aggregate classification (germline): Uncertain significance (1 of 4 stars; one submission).

Submission:

Ambry Genetics
Classification: Uncertain significance. Last evaluated: 2024-07-30. Review status: criteria provided, single submitter. Criteria: Ambry Variant Classification Scheme 2023. Collection method: clinical testing. Allele origin: germline.
Comment: The p.T166K variant (also known as c.497C>A), located in coding exon 3 of the MNDA gene, results from a C to A substitution at nucleotide position 497. The threonine at codon 166 is replaced by lysine, an amino acid with similar properties. This amino acid position is conserved. In addition, this alteration is predicted to be tolerated by in silico analysis. Based on the available evidence, the clinical significance of this variant remains unclear.